The following is an entry in ClinVar:

NM_181426.2(CCDC39):c.669_670insTA (p.Ile224Ter)

Gene: CCDC39 (coiled-coil domain 39 molecular ruler complex subunit; minus strand). Cytogenetic location: 3q26.33.
Variant type: Insertion.
Coding change: c.669_670insTA on transcript NM_181426.2 (MANE Select); coding-DNA positions 669 to 670, TA inserted.
Protein change: p.Ile224Ter; replaces isoleucine 224 with a stop codon.
Molecular consequence: nonsense.
Genome position: GRCh38 VCF-style: chr3-180659520-T-TTA. GRCh37 (hg19) VCF-style: chr3-180377308-T-TTA.
Other names: short protein forms I224*.
Identifiers: ClinVar variation 2832087 (VCV002832087.3), dbSNP rs1711686356, ClinGen allele CA1056965819.

ClinVar aggregate classification (germline): Pathogenic (1 of 4 stars; one submission).

Conditions:
Primary ciliary dyskinesia. Also called: Ciliary dyskinesia. Identifiers: Orphanet 244, MedGen C0008780, MONDO:0016575, HP:0012265.

Allele frequency attached by ClinVar (database versions not stated): gnomAD 0.00001.

Submission:

Labcorp Genetics (formerly Invitae), Labcorp
Classification: Pathogenic for Primary ciliary dyskinesia. Last evaluated: 2023-01-26. Review status: criteria provided, single submitter. Criteria: Invitae Variant Classification Sherloc (09022015). Collection method: clinical testing. Allele origin: germline.
Comment: For these reasons, this variant has been classified as Pathogenic. Algorithms developed to predict the effect of sequence changes on RNA splicing suggest that this variant may disrupt the consensus splice site. This variant has not been reported in the literature in individuals affected with CCDC39-related conditions. This variant is not present in population databases (gnomAD no frequency). This sequence change creates a premature translational stop signal (p.Ile224*) in the CCDC39 gene. It is expected to result in an absent or disrupted protein product. Loss-of-function variants in CCDC39 are known to be pathogenic (PMID: 21131972, 23255504).

Literature cited by the submitters: PubMed 21131972; PubMed 23255504.